The following is an entry in ClinVar:

NM_003482.4(KMT2D):c.91T>G (p.Ser31Ala)

Gene: KMT2D (lysine methyltransferase 2D; minus strand). Cytogenetic location: 12q13.12.
Variant type: single nucleotide variant.
Coding change: c.91T>G on transcript NM_003482.4 (MANE Select); coding-DNA position 91, T replaced by G.
Protein change: p.Ser31Ala; replaces serine 31 with alanine.
Molecular consequence: missense variant.
Genome position (GRCh38, 1-based): chr12:49,054,985, A>C on the plus strand (T>G on the coding strand, the complement: KMT2D is on the minus strand). VCF-style: chr12-49054985-A-C. GRCh37 (hg19) VCF-style: chr12-49448768-A-C.
Other names: short protein forms S31A.
Identifiers: ClinVar variation 3685816 (VCV003685816.2).

ClinVar aggregate classification (germline): Uncertain significance (1 of 4 stars; one submission).

Conditions:
Kabuki syndrome. Also called: NIIKAWA-KUROKI SYNDROME; Kabuki make-up syndrome. Identifiers: Orphanet 2322, MedGen C0796004, MONDO:0016512.

Submission:

Labcorp Genetics (formerly Invitae), Labcorp
Classification: Uncertain significance for Kabuki syndrome. Last evaluated: 2025-09-24. Review status: criteria provided, single submitter. Criteria: Invitae Variant Classification Sherloc (09022015). Collection method: clinical testing. Allele origin: germline.
Comment: This sequence change replaces serine, which is neutral and polar, with alanine, which is neutral and non-polar, at codon 31 of the KMT2D protein (p.Ser31Ala). This variant is not present in population databases (gnomAD no frequency). This variant has not been reported in the literature in individuals affected with KMT2D-related conditions. ClinVar contains an entry for this variant (Variation ID: 3685816). Invitae Evidence Modeling of protein sequence and biophysical properties (such as structural, functional, and spatial information, amino acid conservation, physicochemical variation, residue mobility, and thermodynamic stability) indicates that this missense variant is not expected to disrupt KMT2D protein function with a negative predictive value of 95%. In summary, the available evidence is currently insufficient to determine the role of this variant in disease. Therefore, it has been classified as a Variant of Uncertain Significance.